The following is an entry in ClinVar:

NM_001363711.2(DUOX2):c.1327C>T (p.Gln443Ter)

Gene: DUOX2 (dual oxidase 2; minus strand). Cytogenetic location: 15q21.1.
Variant type: single nucleotide variant.
Coding change: c.1327C>T on transcript NM_001363711.2 (MANE Select); coding-DNA position 1327, C replaced by T.
Protein change: p.Gln443Ter; replaces glutamine 443 with a stop codon.
Molecular consequence: nonsense.
Genome position (GRCh38, 1-based): chr15:45,108,860, G>A on the plus strand (C>T on the coding strand, the complement: DUOX2 is on the minus strand). VCF-style: chr15-45108860-G-A. GRCh37 (hg19) VCF-style: chr15-45401058-G-A.
Other names: c.1327C>T, p.Gln443Ter (NM_014080.5); short protein forms Q443*.
Identifiers: ClinVar variation 2005887 (VCV002005887.4), dbSNP rs758886651, ClinGen allele CA7538653.

ClinVar aggregate classification (germline): Pathogenic (1 of 4 stars; one submission).

Allele frequency attached by ClinVar (database versions not stated): gnomAD exomes below 0.00001; ExAC 0.00002.
gnomAD v4.1: 1 of 1,614,232 alleles (0.000062%); highest among the groups gnomAD compares: Admixed American, 0.0017%; no homozygotes.

Submission:

Labcorp Genetics (formerly Invitae), Labcorp
Classification: Pathogenic. Last evaluated: 2022-09-07. Review status: criteria provided, single submitter. Criteria: Invitae Variant Classification Sherloc (09022015). Collection method: clinical testing. Allele origin: germline.
Comment: For these reasons, this variant has been classified as Pathogenic. Algorithms developed to predict the effect of sequence changes on RNA splicing suggest that this variant may disrupt the consensus splice site. This variant has not been reported in the literature in individuals affected with DUOX2-related conditions. This variant is present in population databases (rs758886651, gnomAD 0.006%). This sequence change creates a premature translational stop signal (p.Gln443*) in the DUOX2 gene. It is expected to result in an absent or disrupted protein product. Loss-of-function variants in DUOX2 are known to be pathogenic (PMID: 12110737, 18765513, 21565790, 24423310, 24735383).

Literature cited by the submitters: PubMed 12110737; PubMed 18765513; PubMed 21565790; PubMed 24423310; PubMed 24735383.